The following is an entry in ClinVar:

NM_144687.4(NLRP12):c.792G>A (p.Met264Ile)

Gene: NLRP12 (NLR family pyrin domain containing 12; minus strand). Cytogenetic location: 19q13.42.
Variant type: single nucleotide variant.
Coding change: c.792G>A on transcript NM_144687.4 (MANE Select); coding-DNA position 792, G replaced by A.
Protein change: p.Met264Ile; replaces methionine 264 with isoleucine.
Molecular consequence: missense variant.
Genome position (GRCh38, 1-based): chr19:53,810,867, C>T on the plus strand (G>A on the coding strand, the complement: NLRP12 is on the minus strand). VCF-style: chr19-53810867-C-T. GRCh37 (hg19) VCF-style: chr19-54314121-C-T.
Other names: c.792G>A, p.Met264Ile (NM_001277126.2, NM_001277129.1); short protein forms M264I.
Identifiers: ClinVar variation 3639949 (VCV003639949.2).

ClinVar aggregate classification (germline): Uncertain significance (1 of 4 stars; one submission).

Conditions:
Familial cold autoinflammatory syndrome 2 (FCAS2). Identifiers: Orphanet 247868, MedGen C2673198, MONDO:0012724, OMIM 611762.

gnomAD v4.1: 1 of 1,613,980 alleles (0.000062%); highest among the groups gnomAD compares: African/African-American, 0.0013%; no homozygotes.

Submission:

Labcorp Genetics (formerly Invitae), Labcorp
Classification: Uncertain significance for Familial cold autoinflammatory syndrome 2. Last evaluated: 2024-03-04. Review status: criteria provided, single submitter. Criteria: Invitae Variant Classification Sherloc (09022015). Collection method: clinical testing. Allele origin: germline.
Comment: This sequence change replaces methionine, which is neutral and non-polar, with isoleucine, which is neutral and non-polar, at codon 264 of the NLRP12 protein (p.Met264Ile). This variant is not present in population databases (gnomAD no frequency). This variant has not been reported in the literature in individuals affected with NLRP12-related conditions. Advanced modeling of protein sequence and biophysical properties (such as structural, functional, and spatial information, amino acid conservation, physicochemical variation, residue mobility, and thermodynamic stability) performed at Invitae indicates that this missense variant is not expected to disrupt NLRP12 protein function with a negative predictive value of 80%. In summary, the available evidence is currently insufficient to determine the role of this variant in disease. Therefore, it has been classified as a Variant of Uncertain Significance.